The following is an entry in ClinVar:

ClinVar aggregate classification (germline): Benign/Likely benign. Review status: criteria provided, multiple submitters, no conflicts (2 of 4 stars). 25 submissions from 25 submitters: Benign (7); Likely benign (12). 6 of the submissions do not count toward it. Last evaluated 2026-02-02.

Conditions:
CDH1-related disorder. Also called: CDH1-related condition.
Breast and/or ovarian cancer. Identifiers: MedGen CN221562.
Hereditary cancer-predisposing syndrome. Also called: Tumor predisposition; Hereditary neoplastic syndrome; Hereditary Cancer Syndrome; Neoplastic Syndromes, Hereditary. Identifiers: Orphanet 140162, MedGen C0027672, MeSH D009386, MONDO:0015356.
Ovarian cancer. Also called: OVARIAN CANCER, SOMATIC. Identifiers: Orphanet 213500, MedGen C1140680, MONDO:0008170, OMIM 167000.
Hereditary diffuse gastric adenocarcinoma (HDGC). Also called: DIFFUSE GASTRIC AND LOBULAR BREAST CANCER SYNDROME. Identifiers: Orphanet 26106, MedGen C1708349, MONDO:0007648, OMIM 137215.
Familial cancer of breast. Also called: Hereditary breast cancer; hereditary breast carcinoma; BREAST CANCER, FAMILIAL. Identifiers: Orphanet 227535, MedGen C0346153, MONDO:0016419, OMIM 114480. Disease mechanism: loss of function.
Malignant tumor of breast. Also called: Cancer breast; Malignant breast neoplasm. Identifiers: MedGen C0006142, MONDO:0007254. Disease mechanism: loss of function.

Allele frequency attached by ClinVar (database versions not stated): ExAC 0.00056; gnomAD 0.00057 and 0.00058; TOPMed 0.00062; gnomAD exomes 0.00053 and 0.00081; ESP Exome Variant Server 0.00115.
gnomAD v4.1: 1,253 of 1,613,348 alleles (0.078%); highest among the groups gnomAD compares: Non-Finnish European, 0.1%; 2 homozygotes.

Submissions (25):

Labcorp Genetics (formerly Invitae), Labcorp
Classification: Benign for Hereditary diffuse gastric adenocarcinoma. Last evaluated: 2026-02-02. Review status: criteria provided, single submitter. Criteria: Invitae Variant Classification Sherloc (09022015). Collection method: clinical testing. Allele origin: germline.

Dasa
Classification: Likely benign for ovarian cancer. Last evaluated: 2026-01-12. Review status: criteria provided, single submitter. Criteria: DASA Assertion Criteria. Collection method: clinical testing. Allele origin: germline.
Comment: NM_004360.5(CDH1):c.2439+10C>T is a splice-region variant. The variant context is inconsistent with a known disease-causing mechanism. Computational prediction algorithms are consistent with a benign effect. Therefore, based on the currently available evidence, this variant is classified as likely benign.

ARUP Laboratories, Molecular Genetics and Genomics, ARUP Laboratories
Classification: Benign. Last evaluated: 2025-03-07. Review status: criteria provided, single submitter. Criteria: ARUP Molecular Germline Variant Investigation Process 2024. Collection method: clinical testing. Allele origin: germline.

Center for Genomic Medicine, Rigshospitalet, Copenhagen University Hospital
Classification: Likely benign. Last evaluated: 2025-03-04. Review status: criteria provided, single submitter. Criteria: ACMG Guidelines, 2015. Collection method: clinical testing. Allele origin: germline.

Myriad Genetics, Inc.
Classification: Benign for Hereditary diffuse gastric adenocarcinoma. Last evaluated: 2025-01-16. Review status: criteria provided, single submitter. Criteria: Myriad Autosomal Dominant, Autosomal Recessive and X-Linked Classification Criteria (2023). Collection method: clinical testing. Allele origin: unknown.
Comment: This variant is considered benign. This variant is intronic and is not expected to impact mRNA splicing. This variant has been observed at a population frequency that is significantly greater than expected given the associated disease prevalence and penetrance.

Blueprint Genetics
Classification: Likely benign. Last evaluated: 2024-10-28. Review status: criteria provided, single submitter. Criteria: ACMG Guidelines, 2015. Collection method: clinical testing. Allele origin: germline.

CeGaT Center for Human Genetics Tuebingen
Classification: Likely benign. Last evaluated: 2024-07-01. Review status: criteria provided, single submitter. Criteria: CeGaT Center For Human Genetics Tuebingen Variant Classification Criteria Version 2. Collection method: clinical testing. Allele origin: germline. Affected: yes. Observed: 5 variant alleles.
Comment: CDH1: BS1

CHEO Genetics Diagnostic Laboratory, Children's Hospital of Eastern Ontario
Classification: Likely benign for Breast and/or ovarian cancer. Last evaluated: 2023-06-05. Review status: criteria provided, single submitter. Criteria: ACMG Guidelines, 2015. Collection method: clinical testing. Allele origin: germline.

Quest Diagnostics Nichols Institute San Juan Capistrano
Classification: Benign. Last evaluated: 2023-04-13. Review status: criteria provided, single submitter. Criteria: Quest Diagnostics criteria. Collection method: clinical testing. Allele origin: unknown.

European Reference Network on Genetic Tumour Risk Syndromes (ERN-GENTURIS), i3s - Instituto de Investigação e Inovação em Saúde, University of Porto
Classification: Likely benign for Hereditary diffuse gastric adenocarcinoma. Last evaluated: 2022-08-01. Review status: criteria provided, single submitter. Criteria: Lee et al. (Hum Mutat. 2018). Collection method: clinical testing. Allele origin: germline. Inheritance: Autosomal dominant inheritance. Affected: no. Study: ERN GENTURIS.
Comment: BS1 (PMID: 30311375)

Sema4
Classification: Benign for Hereditary cancer-predisposing syndrome. Last evaluated: 2020-11-12. Review status: criteria provided, single submitter. Criteria: Sema4 Curation Guidelines. Collection method: curation. Allele origin: germline.

Genetic Services Laboratory, University of Chicago
Classification: Likely benign. Last evaluated: 2020-09-02. Review status: criteria provided, single submitter. Criteria: ACMG Guidelines, 2015. Collection method: clinical testing. Allele origin: germline. Affected: no.

Institute of Human Genetics, University of Leipzig Medical Center
Classification: Likely benign for Familial cancer of breast. Last evaluated: 2019-01-01. Review status: criteria provided, single submitter. Criteria: ACMG Guidelines, 2015. Collection method: clinical testing. Allele origin: unknown. Affected: yes.

Mendelics
Classification: Likely benign for Hereditary diffuse gastric cancer. Last evaluated: 2018-07-02. Review status: criteria provided, single submitter. Criteria: Mendelics Assertion Criteria 2017. Collection method: clinical testing. Allele origin: unknown.

Institute for Biomarker Research, Medical Diagnostic Laboratories, L.L.C.
Classification: Likely benign for Hereditary cancer-predisposing syndrome. Last evaluated: 2018-05-23. Review status: criteria provided, single submitter. Criteria: ACMG Guidelines, 2015. Collection method: clinical testing. Allele origin: germline.

Women's Health and Genetics/Laboratory Corporation of America, LabCorp
Classification: Benign. Last evaluated: 2016-07-25. Review status: criteria provided, single submitter. Criteria: LabCorp Variant Classification Summary - May 2015. Collection method: clinical testing. Allele origin: germline.
Comment: Variant summary: The CDH1 c.2439+10C>T variant involves the alteration of a non-conserved intronic nucleotide. One in silico tool (MutationTaster) predicts a benign outcome for this variant. 3/5 splice prediction tools predict a significant impact on normal splicing. However, these predictions are not definitive and have not been confirmed by functional studies. This variant was found in 67/120124 control chromosomes, predominantly observed in the European (Non-Finnish) subpopulation at a frequency of 0.0009851 (65/65982). This frequency is about 35 times the estimated maximal expected allele frequency of a pathogenic CDH1 variant (0.0000283), suggesting this is likely a benign polymorphism found primarily in the populations of European (Non-Finnish) origin. In addition, multiple clinical diagnostic laboratories/reputable databases classified this variant as benign/likely benign. Taken together, this variant is classified as Benign.

Color Diagnostics, LLC DBA Color Health
Classification: Likely benign for Hereditary cancer-predisposing syndrome. Last evaluated: 2015-04-20. Review status: criteria provided, single submitter. Criteria: ACMG Guidelines, 2015. Collection method: clinical testing. Allele origin: germline.

Ambry Genetics
Classification: Likely benign for Hereditary cancer-predisposing syndrome. Last evaluated: 2015-02-12. Review status: criteria provided, single submitter. Criteria: Ambry Variant Classification Scheme 2023. Collection method: clinical testing. Allele origin: germline.

GeneDx
Classification: Benign. Last evaluated: 2013-12-27. Review status: criteria provided, single submitter. Criteria: GeneDx Variant Classification (06012015). Collection method: clinical testing. Allele origin: germline. Affected: yes.
Comment: This variant is considered likely benign or benign based on one or more of the following criteria: it is a conservative change, it occurs at a poorly conserved position in the protein, it is predicted to be benign by multiple in silico algorithms, and/or has population frequency not consistent with disease.

PreventionGenetics, part of Exact Sciences
Classification: Benign for CDH1-related condition. Last evaluated: 2019-06-25. Review status: no assertion criteria provided. Collection method: clinical testing. Allele origin: germline. Not counted in ClinVar's aggregate classification.
Comment: This variant is classified as benign based on ACMG/AMP sequence variant interpretation guidelines (Richards et al. 2015 PMID: 25741868, with internal and published modifications).

Counsyl
Classification: Likely benign for Hereditary diffuse gastric adenocarcinoma. Last evaluated: 2016-05-10. Review status: no assertion criteria provided. Collection method: clinical testing. Allele origin: unknown. Not counted in ClinVar's aggregate classification.

Clinical Genetics, Academic Medical Center
Classification: Likely benign. Review status: no assertion criteria provided. Collection method: clinical testing. Allele origin: germline. Affected: yes. Study: VKGL Data-share Consensus. Not counted in ClinVar's aggregate classification.

Department of Pathology and Laboratory Medicine, Sinai Health System
Classification: Likely benign for Malignant tumor of breast. Review status: no assertion criteria provided. Collection method: clinical testing. Allele origin: unknown. Affected: yes. Observed: 1 variant allele. Study: The Canadian Open Genetics Repository (COGR). Not counted in ClinVar's aggregate classification.
Comment: The CDH1 c.2439+10C>T variant was identified in 1 of 162 proband chromosomes (frequency: 0.006) from individuals or families with non-syndromic orofacial clefts and an unknown family history of hereditary diffuse gastric cancer (Vogelaar 2013). The variant was also identified in dbSNP (ID: rs35236080) as "With other allele" and ClinVar (classified as benign by Invitae, GeneDx and one other clinical laboratory; as likely benign by Ambry Genetics, Counsyl, Color Genomics, and two other clinical laboratories). The variant was not identified in the Zhejiang University Database. The variant was identified in control databases in 142 of 276210 chromosomes (1 homozygous) at a frequency of 0.0005, increasing the likelihood this could be a low frequency benign variant (Genome Aggregation Database Feb 27, 2017). The variant was observed in the following populations: European in 129 of 126428 chromosomes (freq: 0.001), African in 1 of 23894 chromosomes (freq: 0.00004), Other in 2 of 6448 chromosomes (freq: 0.0003), and Latino in 10 of 34374 chromosomes (freq: 0.0003), while the variant was not observed in the Ashkenazi Jewish, East Asian, Finnish, or South Asian populations. The variant occurs outside of the splicing consensus sequence and 2 of 4 in silico or computational prediction software programs (SpliceSiteFinder, MaxEntScan, NNSPLICE, GeneSplicer) predict a greater than 10% difference in splicing; this is not very predictive of pathogenicity. In summary, based on the above information, the clinical significance of this variant cannot be determined with certainty at this time although we would lean towards a more benign role for this variant. This variant is classified as likely benign.

Diagnostic Laboratory, Department of Genetics, University Medical Center Groningen
Classification: Likely benign. Review status: no assertion criteria provided. Collection method: clinical testing. Allele origin: germline. Affected: yes. Study: VKGL Data-share Consensus. Not counted in ClinVar's aggregate classification.

Genome Diagnostics Laboratory, Amsterdam University Medical Center
Classification: Likely benign. Review status: no assertion criteria provided. Collection method: clinical testing. Allele origin: germline. Affected: yes. Study: VKGL Data-share Consensus. Not counted in ClinVar's aggregate classification.

Literature cited by the submitters: PubMed 23197654 (cited by Quest Diagnostics Nichols Institute San Juan Capistrano and Women's Health and Genetics/Laboratory Corporation of America, LabCorp); PubMed 36436516 (cited by European Reference Network on Genetic Tumour Risk Syndromes (ERN-GENTURIS), i3s - Instituto de Investigação e Inovação em Saúde, University of Porto).

NM_004360.5(CDH1):c.2439+10C>T

Gene: CDH1 (cadherin 1; plus strand). Cytogenetic location: 16q22.1.
Variant type: single nucleotide variant.
Coding change: c.2439+10C>T on transcript NM_004360.5 (MANE Select); 10 bases into the intron after coding-DNA position 2439, C replaced by T.
Molecular consequence: intron variant.
Genome position (GRCh38, 1-based): chr16:68,829,807, C>T. VCF-style: chr16-68829807-C-T. GRCh37 (hg19) VCF-style: chr16-68863710-C-T.
Other names: c.891+10C>T (NM_001317185.2); c.474+10C>T (NM_001317186.2); c.2256+10C>T (NM_001317184.2).
Identifiers: ClinVar variation 136066 (VCV000136066.77), dbSNP rs35236080, ClinGen allele CA293931.
Genomic context (GRCh38, chr16:68,829,807, plus strand): 5'-TATCTTCCCCGCCCTGCCAATCCCGATGAAATTGGAAATTTTATTGATGAAGTAAGTAAT[C>T]CACGTGGAAAGCCAAAGCATGGCTCATCTCTAAGCTCAGGAGGAGTTGTGTCAAAAATGA-3'